The following is an entry in ClinVar:

NM_000287.4(PEX6):c.899C>T (p.Ser300Phe)

Gene: PEX6 (peroxisomal biogenesis factor 6; minus strand). Cytogenetic location: 6p21.1.
Variant type: single nucleotide variant.
Coding change: c.899C>T on transcript NM_000287.4 (MANE Select); coding-DNA position 899, C replaced by T.
Protein change: p.Ser300Phe; replaces serine 300 with phenylalanine.
Molecular consequence: missense variant. On other transcripts: non-coding transcript variant (1).
Genome position (GRCh38, 1-based): chr6:42,975,022, G>A on the plus strand (C>T on the coding strand, the complement: PEX6 is on the minus strand). VCF-style: chr6-42975022-G-A. GRCh37 (hg19) VCF-style: chr6-42942760-G-A.
Other names: c.635C>T, p.Ser212Phe (NM_001316313.2); short protein forms S300F, S212F.
Identifiers: ClinVar variation 2197408 (VCV002197408.1), dbSNP rs773177950, ClinGen allele CA3811513.
Genomic context (GRCh38, chr6:42,975,022, plus strand): 5'-TCTCTGGCAAATGGAGGCCCAGGCAGCAATGAGCAGCTTCCTTTGTCTTCAGGGGCGATG[G>A]AGCCTTCCAAGTACCTCTATTAGAGAAATAACCACCACGTTATAACCTTCTCCTAAGGGG-3'
Protein context (NP_000278.3, residues 290-310): ELRIQRYLEG[Ser300Phe]IAPEDKGSCS

ClinVar aggregate classification (germline): Uncertain significance (1 of 4 stars; one submission).

Conditions:
Peroxisome biogenesis disorder. Identifiers: Orphanet 79189, MedGen C1832200, MONDO:0019234. Disease mechanism: loss of function.

Allele frequency attached by ClinVar (database versions not stated): gnomAD exomes below 0.00001; gnomAD 0.00001; TOPMed 0.00001; ExAC 0.00003.
gnomAD v4.1: 7 of 1,612,920 alleles (0.00043%); highest among the groups gnomAD compares: East Asian, 0.016%; no homozygotes.

Submission:

Labcorp Genetics (formerly Invitae), Labcorp
Classification: Uncertain significance for Peroxisome biogenesis disorder. Last evaluated: 2022-08-09. Review status: criteria provided, single submitter. Criteria: Invitae Variant Classification Sherloc (09022015). Collection method: clinical testing. Allele origin: germline.
Comment: This sequence change replaces serine, which is neutral and polar, with phenylalanine, which is neutral and non-polar, at codon 300 of the PEX6 protein (p.Ser300Phe). This variant is present in population databases (rs773177950, gnomAD 0.05%). This variant has not been reported in the literature in individuals affected with PEX6-related conditions. Algorithms developed to predict the effect of missense changes on protein structure and function output the following: SIFT: "Tolerated"; PolyPhen-2: "Benign"; Align-GVGD: "Class C0". The phenylalanine amino acid residue is found in multiple mammalian species, which suggests that this missense change does not adversely affect protein function. In summary, the available evidence is currently insufficient to determine the role of this variant in disease. Therefore, it has been classified as a Variant of Uncertain Significance.